The following is an entry in ClinVar:

NM_006204.4(PDE6C):c.1436T>C (p.Val479Ala)

Gene: PDE6C (phosphodiesterase 6C; plus strand). Cytogenetic location: 10q23.33.
Variant type: single nucleotide variant.
Coding change: c.1436T>C on transcript NM_006204.4 (MANE Select); coding-DNA position 1436, T replaced by C.
Protein change: p.Val479Ala; replaces valine 479 with alanine.
Molecular consequence: missense variant.
Genome position (GRCh38, 1-based): chr10:93,637,017, T>C. VCF-style: chr10-93637017-T-C. GRCh37 (hg19) VCF-style: chr10-95396774-T-C.
Other names: short protein forms V479A.
Identifiers: ClinVar variation 2129456 (VCV002129456.4), dbSNP rs2492528783, ClinGen allele CA377616185.
Genomic context (GRCh38, chr10:93,637,017, plus strand): 5'-TTTAGGAATTTCACACCTCAATTGCTTTTACATTTTAGAAATTTCAAGAGAAGTTAAATG[T>C]TGATGTAATTGACGACTGTGAAGAAAAACAACTTGTTGCAATTTTGGTAAGTGTTTTCTT-3'
Protein context (NP_006195.3, residues 469-489): SILKFQEKLN[Val479Ala]DVIDDCEEKQ

ClinVar aggregate classification (germline): Uncertain significance (1 of 4 stars; one submission).

Allele frequency attached by ClinVar (database versions not stated): gnomAD exomes below 0.00001.
gnomAD v4.1: 1 of 1,602,266 alleles (0.000062%); highest among the groups gnomAD compares: African/African-American, 0.0013%; no homozygotes.

Submission:

Labcorp Genetics (formerly Invitae), Labcorp
Classification: Uncertain significance. Last evaluated: 2022-04-22. Review status: criteria provided, single submitter. Criteria: Invitae Variant Classification Sherloc (09022015). Collection method: clinical testing. Allele origin: germline.
Comment: In summary, the available evidence is currently insufficient to determine the role of this variant in disease. Therefore, it has been classified as a Variant of Uncertain Significance. Algorithms developed to predict the effect of missense changes on protein structure and function (SIFT, PolyPhen-2, Align-GVGD) all suggest that this variant is likely to be tolerated. This variant has not been reported in the literature in individuals affected with PDE6C-related conditions. This variant is not present in population databases (gnomAD no frequency). This sequence change replaces valine, which is neutral and non-polar, with alanine, which is neutral and non-polar, at codon 479 of the PDE6C protein (p.Val479Ala).